The following is an entry in ClinVar:

ClinVar aggregate classification (germline): Benign (1 of 4 stars; one submission).

Conditions:
MELAS syndrome (MELAS). Also called: Juvenile myopathy, encephalopathy, lactic acidosis, stroke. Identifiers: Orphanet 550, MedGen C0162671, MONDO:0010789, OMIM 540000.

Submission:

Wong Mito Lab, Molecular and Human Genetics, Baylor College of Medicine
Classification: Benign for MELAS syndrome. Last evaluated: 2019-07-12. Review status: criteria provided, single submitter. Criteria: Modified ACMG Guidelines (Unpublished). Collection method: clinical testing. Allele origin: germline.
Comment: The NC_012920.1:m.10045T>C variant in MT-TG gene is interpreted to be a Benign variant based on the modified ACMG guidelines (unpublished). This variant meets the following evidence codes reported in the guidelines: BS1, BS4, BP4

Literature cited by the submitters: PubMed 31965079.

NC_012920.1(MT-TG):m.10045T>C

Gene: MT-TG (mitochondrially encoded tRNA glycine; plus strand).
Variant type: single nucleotide variant.
Genome position: chrM-10045-T-C.
Identifiers: ClinVar variation 690108 (VCV000690108.1), dbSNP rs1603222648, ClinGen allele CA913161679.